The following is an entry in ClinVar:

ClinVar aggregate classification (germline): Uncertain significance. Review status: criteria provided, multiple submitters, no conflicts (2 of 4 stars). 2 submissions from 2 submitters: Uncertain significance (2). Last evaluated 2024-06-04.

Conditions:
Inborn genetic diseases. Identifiers: MedGen C0950123, MeSH D030342.
Congenital disorder of glycosylation type 1E (CDG1E). Also called: CONGENITAL DISORDER OF GLYCOSYLATION, TYPE Ie; CDG Ie. Identifiers: Orphanet 79322, MedGen C1837396, MONDO:0012123, OMIM 608799.

Allele frequency attached by ClinVar (database versions not stated): gnomAD exomes 0.00001; ExAC 0.00002; gnomAD 0.00004 and 0.00005; TOPMed 0.00006; ESP Exome Variant Server 0.00015.
gnomAD v4.1: 10 of 1,613,574 alleles (0.00062%); highest among the groups gnomAD compares: African/African-American, 0.0094%; no homozygotes.

Submissions (2):

Ambry Genetics
Classification: Uncertain significance for Inborn genetic diseases. Last evaluated: 2024-06-04. Review status: criteria provided, single submitter. Criteria: Ambry Variant Classification Scheme 2023. Collection method: clinical testing. Allele origin: germline.

Labcorp Genetics (formerly Invitae), Labcorp
Classification: Uncertain significance for Congenital disorder of glycosylation type 1E. Last evaluated: 2022-08-09. Review status: criteria provided, single submitter. Criteria: Invitae Variant Classification Sherloc (09022015). Collection method: clinical testing. Allele origin: germline.
Comment: In summary, the available evidence is currently insufficient to determine the role of this variant in disease. Therefore, it has been classified as a Variant of Uncertain Significance. Algorithms developed to predict the effect of missense changes on protein structure and function are either unavailable or do not agree on the potential impact of this missense change (SIFT: "Tolerated"; PolyPhen-2: "Not Available"; Align-GVGD: "Class C0"). ClinVar contains an entry for this variant (Variation ID: 464505). This variant is present in population databases (rs376257244, gnomAD 0.02%). This variant has not been reported in the literature in individuals affected with DPM1-related conditions. This sequence change replaces arginine, which is basic and polar, with leucine, which is neutral and non-polar, at codon 20 of the DPM1 protein (p.Arg20Leu).

NM_003859.3(DPM1):c.59G>T (p.Arg20Leu)

Genes: DPM1 (dolichyl-phosphate mannosyltransferase subunit 1, catalytic; minus strand), LOC130066166 (ATAC-STARR-seq lymphoblastoid active region 18108; plus strand). Cytogenetic location: 20q13.13.
Variant type: single nucleotide variant.
Coding change: c.59G>T on transcript NM_003859.3 (MANE Select); coding-DNA position 59, G replaced by T.
Protein change: p.Arg20Leu; replaces arginine 20 with leucine.
Molecular consequence: missense variant. On other transcripts: non-coding transcript variant (1).
Genome position (GRCh38, 1-based): chr20:50,958,465, C>A on the plus strand (G>T on the coding strand, the complement: DPM1 is on the minus strand). VCF-style: chr20-50958465-C-A. GRCh37 (hg19) VCF-style: chr20-49575002-C-A.
Other names: c.59G>T, p.Arg20Leu (NM_001317034.1, NM_001317035.1, NM_001317036.1); short protein forms R20L.
Identifiers: ClinVar variation 464505 (VCV000464505.11), dbSNP rs376257244, ClinGen allele CA9909249.